The following is an entry in ClinVar:

ClinVar aggregate classification (germline): Uncertain significance (1 of 4 stars; one submission).

gnomAD v4.1: 6 of 1,613,836 alleles (0.00037%); highest among the groups gnomAD compares: Non-Finnish European, 0.00051%; no homozygotes.

Submission:

Women's Health and Genetics/Laboratory Corporation of America, LabCorp
Classification: Uncertain significance. Last evaluated: 2025-09-15. Review status: criteria provided, single submitter. Criteria: LabCorp Variant Classification Summary - May 2015. Collection method: clinical testing. Allele origin: germline.
Comment: Variant summary: LYST c.8174C>G (p.Ser2725Cys) results in a non-conservative amino acid change in the encoded protein sequence. Algorithms developed to predict the effect of missense changes on protein structure and function are either unavailable or do not agree on the potential impact of this missense change. The variant allele was found at a frequency of 1.6e-05 in 250624 control chromosomes. The available data on variant occurrences in the general population are insufficient to allow any conclusion about variant significance. To our knowledge, no occurrence of c.8174C>G in individuals affected with LYST-related conditions and no experimental evidence demonstrating its impact on protein function have been reported. ClinVar contains an entry for this variant (Variation ID: 3769526). Based on the evidence outlined above, the variant was classified as uncertain significance.

NM_000081.4(LYST):c.8174C>G (p.Ser2725Cys)

Gene: LYST (lysosomal trafficking regulator; minus strand). Cytogenetic location: 1q42.3.
Variant type: single nucleotide variant.
Coding change: c.8174C>G on transcript NM_000081.4 (MANE Select); coding-DNA position 8174, C replaced by G.
Protein change: p.Ser2725Cys; replaces serine 2725 with cysteine.
Molecular consequence: missense variant.
Genome position (GRCh38, 1-based): chr1:235,741,606, G>C on the plus strand (C>G on the coding strand, the complement: LYST is on the minus strand). VCF-style: chr1-235741606-G-C. GRCh37 (hg19) VCF-style: chr1-235904906-G-C.
Other names: c.8174C>G, p.Ser2725Cys (NM_001301365.1); short protein forms S2725C.
Identifiers: ClinVar variation 3769526 (VCV003769526.3).
Genomic context (GRCh38, chr1:235,741,606, plus strand): 5'-CCAAGCTGCATTCGGAAGGTCTCCTTACAAGACCACAGAATTTTAGTCCATTGCTGCTTG[G>C]AACCACTGGCTTTACTTGAACCCTAAAATCAATCAAGATAGGAATGAATTAGGATCAGAC-3'
Protein context (NP_000072.2, residues 2715-2735): VSIGSSKASG[Ser2725Cys]KQQWTKILWS